The following is an entry in ClinVar:

NM_000465.4(BARD1):c.1134G>C (p.Arg378Ser)

Gene: BARD1 (BRCA1 associated RING domain 1; minus strand). Cytogenetic location: 2q35.
Variant type: single nucleotide variant.
Coding change: c.1134G>C on transcript NM_000465.4 (MANE Select); coding-DNA position 1134, G replaced by C.
Protein change: p.Arg378Ser; replaces arginine 378 with serine.
Molecular consequence: missense variant. On other transcripts: non-coding transcript variant (2), intron variant (3).
Genome position (GRCh38, 1-based): chr2:214,780,740, C>G on the plus strand (G>C on the coding strand, the complement: BARD1 is on the minus strand). VCF-style: chr2-214780740-C-G. GRCh37 (hg19) VCF-style: chr2-215645464-C-G.
Other names: NP_000456.2:p.Arg378Ser; c.1077G>C, p.Arg359Ser (NM_001282543.2); c.159-28185G>C (NM_001282548.2); c.215+16321G>C (NM_001282545.2); c.364+11557G>C (NM_001282549.2); short protein forms R378S, R359S.
Identifiers: ClinVar variation 142769 (VCV000142769.46), dbSNP rs2229571, ClinGen allele CA169361.

ClinVar aggregate classification (germline): Benign/Likely benign. Review status: criteria provided, multiple submitters, no conflicts (2 of 4 stars). 16 submissions from 16 submitters: Benign (15); Likely benign (1). Last evaluated 2026-02-04.

Conditions:
BARD1-related cancer predisposition. Identifiers: MedGen CN377756, MONDO:0700267.
Hereditary cancer-predisposing syndrome. Also called: Neoplastic Syndromes, Hereditary; Hereditary Cancer Syndrome; Tumor predisposition; Hereditary neoplastic syndrome. Identifiers: Orphanet 140162, MedGen C0027672, MeSH D009386, MONDO:0015356.
Hereditary breast ovarian cancer syndrome. Also called: Hereditary breast and/or ovarian cancer syndrome; Hereditary breast and ovarian cancer syndrome (HBOC); Hereditary breast and ovarian cancer syndrome; Hereditary breast and ovarian cancer; Breast and ovarian cancer; BRCA1- and BRCA2-Associated Hereditary Breast and Ovarian Cancer. Identifiers: Orphanet 145, MedGen C0677776, MeSH D061325, MONDO:0003582. Disease mechanism: loss of function.
Familial cancer of breast. Also called: Hereditary breast cancer; hereditary breast carcinoma; BREAST CANCER, FAMILIAL. Identifiers: Orphanet 227535, MedGen C0346153, MONDO:0016419, OMIM 114480. Disease mechanism: loss of function.

Allele frequency attached by ClinVar (database versions not stated): 1000 Genomes Project 0.45927; TOPMed 0.50109; gnomAD 0.52970 and 0.53291; ESP Exome Variant Server 0.53183; gnomAD exomes 0.54361 and 0.58711; ExAC 0.54870; 1000 Genomes Project 30x 0.45831.
gnomAD v4.1: 937,277 of 1,613,584 alleles (58%); highest among the groups gnomAD compares: Non-Finnish European, 61%; 277,240 homozygotes.

Submissions (16):

Labcorp Genetics (formerly Invitae), Labcorp
Classification: Benign for Familial cancer of breast. Last evaluated: 2026-02-04. Review status: criteria provided, single submitter. Criteria: Invitae Variant Classification Sherloc (09022015). Collection method: clinical testing. Allele origin: germline.

ARUP Laboratories, Molecular Genetics and Genomics, ARUP Laboratories
Classification: Benign for Familial cancer of breast. Last evaluated: 2025-07-30. Review status: criteria provided, single submitter. Criteria: ARUP Molecular Germline Variant Investigation Process 2024. Collection method: clinical testing. Allele origin: germline.

GeneKor MSA
Classification: Benign for Hereditary cancer-predisposing syndrome. Last evaluated: 2025-07-10. Review status: criteria provided, single submitter. Criteria: ACMG Guidelines, 2015. Collection method: clinical testing. Allele origin: germline.

Blueprint Genetics
Classification: Likely benign. Last evaluated: 2024-11-26. Review status: criteria provided, single submitter. Criteria: ACMG Guidelines, 2015. Collection method: clinical testing. Allele origin: germline.

Myriad Genetics, Inc.
Classification: Benign for Familial cancer of breast. Last evaluated: 2024-07-24. Review status: criteria provided, single submitter. Criteria: Myriad Autosomal Dominant, Autosomal Recessive and X-Linked Classification Criteria (2023). Collection method: clinical testing. Allele origin: unknown.
Comment: This variant is considered benign. This variant has been observed at a population frequency that is significantly greater than expected given the associated disease prevalence and penetrance.

KCCC/NGS Laboratory, Kuwait Cancer Control Center
Classification: Benign for Familial cancer of breast. Last evaluated: 2023-07-07. Review status: criteria provided, single submitter. Criteria: ACMG Guidelines, 2015. Collection method: clinical testing. Allele origin: germline. Affected: yes.

National Health Laboratory Service, Universitas Academic Hospital and University of the Free State
Classification: Benign for Hereditary breast ovarian cancer syndrome. Last evaluated: 2022-04-19. Review status: criteria provided, single submitter. Criteria: ACMG Guidelines, 2015. Collection method: clinical testing. Allele origin: germline. Affected: yes. Observed: 170 variant alleles.

Fulgent Genetics
Classification: Benign for Familial cancer of breast. Last evaluated: 2022-03-23. Review status: criteria provided, single submitter. Criteria: ACMG Guidelines, 2015. Collection method: clinical testing. Allele origin: unknown.

Mayo Clinic Laboratories, Mayo Clinic
Classification: Benign. Last evaluated: 2021-12-17. Review status: criteria provided, single submitter. Criteria: ACMG Guidelines, 2015. Collection method: clinical testing. Allele origin: germline. Observed: 777 variant alleles.
Comment: BA1

Department of Pathology and Laboratory Medicine, Sinai Health System
Classification: Benign for BARD1-related cancer predisposition. Last evaluated: 2021-02-04. Review status: criteria provided, single submitter. Criteria: ACMG Guidelines, 2015. Collection method: clinical testing. Allele origin: germline.

Illumina Laboratory Services, Illumina
Classification: Benign for Familial cancer of breast. Last evaluated: 2018-03-06. Review status: criteria provided, single submitter. Criteria: ICSL Variant Classification Criteria 13 December 2019. Collection method: clinical testing. Allele origin: germline.
Comment: This variant was observed in the ICSL laboratory as part of a predisposition screen in an ostensibly healthy population. It had not been previously curated by ICSL or reported in the Human Gene Mutation Database (HGMD: prior to June 1st, 2018), and was therefore a candidate for classification through an automated scoring system. Utilizing variant allele frequency, disease prevalence and penetrance estimates, and inheritance mode, an automated score was calculated to assess if this variant is too frequent to cause the disease. Based on the score and internal cut-off values, a variant classified as benign is not then subjected to further curation. The score for this variant resulted in a classification of benign for this disease.

GeneDx
Classification: Benign. Last evaluated: 2015-03-03. Review status: criteria provided, single submitter. Criteria: GeneDx Variant Classification Process June 2021. Collection method: clinical testing. Allele origin: germline. Affected: yes.
Comment: This variant is associated with the following publications: (PMID: 25785002, 30071039, 27153395, 17028982, 19412175, 23222812, 23966609)

Ambry Genetics
Classification: Benign for Hereditary cancer-predisposing syndrome. Last evaluated: 2014-11-18. Review status: criteria provided, single submitter. Criteria: Ambry Variant Classification Scheme 2023. Collection method: clinical testing. Allele origin: germline.

Color Diagnostics, LLC DBA Color Health
Classification: Benign for Hereditary cancer-predisposing syndrome. Last evaluated: 2014-11-04. Review status: criteria provided, single submitter. Criteria: ACMG Guidelines, 2015. Collection method: clinical testing. Allele origin: germline.

Breakthrough Genomics
Classification: Benign. Review status: criteria provided, single submitter. Criteria: ACMG Guidelines, 2015. Collection method: not provided. Allele origin: germline. Inheritance: Autosomal dominant inheritance. Affected: yes.

PreventionGenetics, part of Exact Sciences
Classification: Benign. Review status: criteria provided, single submitter. Criteria: ACMG Guidelines, 2015. Collection method: clinical testing. Allele origin: germline.